The following is an entry in ClinVar:

NM_014806.5(RUSC2):c.1478G>A (p.Arg493His)

Gene: RUSC2 (RUN and SH3 domain containing 2; plus strand). Cytogenetic location: 9p13.3.
Variant type: single nucleotide variant.
Coding change: c.1478G>A on transcript NM_014806.5 (MANE Select); coding-DNA position 1478, G replaced by A.
Protein change: p.Arg493His; replaces arginine 493 with histidine.
Molecular consequence: missense variant. On other transcripts: non-coding transcript variant (1), intron variant (1).
Genome position (GRCh38, 1-based): chr9:35,547,999, G>A. VCF-style: chr9-35547999-G-A. GRCh37 (hg19) VCF-style: chr9-35547996-G-A.
Other names: c.1478G>A, p.Arg493His (NM_001135999.2); c.-620-7061G>A (NM_001330740.2); short protein forms R493H.
Identifiers: ClinVar variation 1408311 (VCV001408311.4), dbSNP rs41277051, ClinGen allele CA5043649.

ClinVar aggregate classification (germline): Uncertain significance. Review status: criteria provided, multiple submitters, no conflicts (2 of 4 stars). 2 submissions from 2 submitters: Uncertain significance (2). Last evaluated 2022-04-11.

Allele frequency attached by ClinVar (database versions not stated): ExAC 0.00004; gnomAD exomes 0.00006 and 0.00014; TOPMed 0.00006; gnomAD 0.00007; ESP Exome Variant Server 0.00008; 1000 Genomes Project 30x 0.00016.
gnomAD v4.1: 216 of 1,614,020 alleles (0.013%); highest among the groups gnomAD compares: Non-Finnish European, 0.017%; no homozygotes.

Submissions (2):

Labcorp Genetics (formerly Invitae), Labcorp
Classification: Uncertain significance. Last evaluated: 2022-04-11. Review status: criteria provided, single submitter. Criteria: Invitae Variant Classification Sherloc (09022015). Collection method: clinical testing. Allele origin: germline.
Comment: This sequence change replaces arginine, which is basic and polar, with histidine, which is basic and polar, at codon 493 of the RUSC2 protein (p.Arg493His). This variant is present in population databases (rs41277051, gnomAD 0.01%). This variant has not been reported in the literature in individuals affected with RUSC2-related conditions. Algorithms developed to predict the effect of missense changes on protein structure and function (SIFT, PolyPhen-2, Align-GVGD) all suggest that this variant is likely to be disruptive. In summary, the available evidence is currently insufficient to determine the role of this variant in disease. Therefore, it has been classified as a Variant of Uncertain Significance.

Breakthrough Genomics
Classification: Uncertain significance. Review status: criteria provided, single submitter. Criteria: ACMG Guidelines, 2015. Collection method: not provided. Allele origin: germline. Inheritance: Autosomal recessive inheritance. Affected: yes.